The following is an entry in ClinVar:

ClinVar aggregate classification (germline): Uncertain significance (1 of 4 stars; one submission).

Allele frequency attached by ClinVar (database versions not stated): ExAC 0.00005; gnomAD exomes 0.00005 and 0.00007; TOPMed 0.00005; gnomAD 0.00006 and 0.00007; ESP Exome Variant Server 0.00008.
gnomAD v4.1: 84 of 1,612,776 alleles (0.0052%); highest among the groups gnomAD compares: East Asian, 0.053%; no homozygotes.

Submission:

Labcorp Genetics (formerly Invitae), Labcorp
Classification: Uncertain significance. Last evaluated: 2025-09-02. Review status: criteria provided, single submitter. Criteria: Invitae Variant Classification Sherloc (09022015). Collection method: clinical testing. Allele origin: germline.
Comment: This sequence change replaces alanine, which is neutral and non-polar, with valine, which is neutral and non-polar, at codon 1515 of the TUBGCP6 protein (p.Ala1515Val). This variant is present in population databases (rs371309046, gnomAD 0.05%). This variant has not been reported in the literature in individuals affected with TUBGCP6-related conditions. ClinVar contains an entry for this variant (Variation ID: 1350209). An algorithm developed to predict the effect of missense changes on protein structure and function (PolyPhen-2) suggests that this variant is likely to be tolerated. In summary, the available evidence is currently insufficient to determine the role of this variant in disease. Therefore, it has been classified as a Variant of Uncertain Significance.

NM_020461.4(TUBGCP6):c.4544C>T (p.Ala1515Val)

Gene: TUBGCP6 (tubulin gamma complex component 6; minus strand). Cytogenetic location: 22q13.33.
Variant type: single nucleotide variant.
Coding change: c.4544C>T on transcript NM_020461.4 (MANE Select); coding-DNA position 4544, C replaced by T.
Protein change: p.Ala1515Val; replaces alanine 1515 with valine.
Molecular consequence: missense variant.
Genome position (GRCh38, 1-based): chr22:50,219,150, G>A on the plus strand (C>T on the coding strand, the complement: TUBGCP6 is on the minus strand). VCF-style: chr22-50219150-G-A. GRCh37 (hg19) VCF-style: chr22-50657579-G-A.
Other names: short protein forms A1515V.
Identifiers: ClinVar variation 1350209 (VCV001350209.5), dbSNP rs371309046, ClinGen allele CA10307451.